The following is an entry in ClinVar:

ClinVar aggregate classification (germline): Uncertain significance (1 of 4 stars; one submission).

Submission:

GeneDx
Classification: Uncertain significance. Last evaluated: 2020-03-04. Review status: criteria provided, single submitter. Criteria: GeneDx Variant Classification Process June 2021. Collection method: clinical testing. Allele origin: germline. Affected: yes.
Comment: Not observed in large population cohorts (Lek et al., 2016); In silico analysis supports that this missense variant has a deleterious effect on protein structure/function; Has not been previously published as pathogenic or benign to our knowledge

NM_001379403.1(WDR26):c.1361A>G (p.His454Arg)

Gene: WDR26 (WD repeat domain 26; minus strand). Cytogenetic location: 1q42.12.
Variant type: single nucleotide variant.
Coding change: c.1361A>G on transcript NM_001379403.1 (MANE Select); coding-DNA position 1361, A replaced by G.
Protein change: p.His454Arg; replaces histidine 454 with arginine.
Molecular consequence: missense variant.
Genome position (GRCh38, 1-based): chr1:224,411,524, T>C on the plus strand (A>G on the coding strand, the complement: WDR26 is on the minus strand). VCF-style: chr1-224411524-T-C. GRCh37 (hg19) VCF-style: chr1-224599226-T-C.
Other names: c.1013A>G, p.His338Arg (NM_001115113.3); c.1061A>G, p.His354Arg (NM_025160.7); short protein forms H338R, H354R, H454R.
Identifiers: ClinVar variation 1303704 (VCV001303704.2), dbSNP rs2102905355, ClinGen allele CA344749547.